The following is an entry in ClinVar:

NM_004260.4(RECQL4):c.2463+3T>C

Gene: RECQL4 (RecQ like helicase 4; minus strand). Cytogenetic location: 8q24.3.
Variant type: single nucleotide variant.
Coding change: c.2463+3T>C on transcript NM_004260.4 (MANE Select); 3 bases into the intron after coding-DNA position 2463, T replaced by C.
Molecular consequence: intron variant.
Genome position (GRCh38, 1-based): chr8:144,513,215, A>G on the plus strand (T>C on the coding strand, the complement: RECQL4 is on the minus strand). VCF-style: chr8-144513215-A-G. GRCh37 (hg19) VCF-style: chr8-145738598-A-G.
Identifiers: ClinVar variation 239729 (VCV000239729.10), dbSNP rs538535710, ClinGen allele CA4948288.

ClinVar aggregate classification (germline): Conflicting classifications of pathogenicity. Review status: criteria provided, conflicting classifications (1 of 4 stars). 4 submissions from 4 submitters: Uncertain significance (2); Likely benign (2). Last evaluated 2026-01-27.

Conditions:
RECQL4-related disorder. Also called: RECQL4-related condition; RECQL4-related disorders.
Rothmund-Thomson syndrome type 2 (RTS2). Identifiers: Orphanet 221016, MedGen C5203410, MONDO:0016369, OMIM 268400.
Baller-Gerold syndrome (BGS). Also called: CRANIOSYNOSTOSIS WITH RADIAL DEFECTS. Identifiers: Orphanet 1225, MedGen C0265308, MONDO:0009039, OMIM 218600.

Allele frequency attached by ClinVar (database versions not stated): gnomAD 0.00002 and 0.00005; TOPMed 0.00008; ExAC 0.00010; gnomAD exomes 0.00012; 1000 Genomes Project 30x 0.00031; 1000 Genomes Project 0.00040.
gnomAD v4.1: 74 of 1,568,178 alleles (0.0047%); highest among the groups gnomAD compares: East Asian, 0.061%; 1 homozygote.

Submissions (4):

Labcorp Genetics (formerly Invitae), Labcorp
Classification: Uncertain significance for Baller-Gerold syndrome. Last evaluated: 2026-01-27. Review status: criteria provided, single submitter. Criteria: Invitae Variant Classification Sherloc (09022015). Collection method: clinical testing. Allele origin: germline.
Comment: This sequence change falls in intron 14 of the RECQL4 gene. It does not directly change the encoded amino acid sequence of the RECQL4 protein. It affects a nucleotide within the consensus splice site. This variant is present in population databases (rs538535710, gnomAD 0.1%). This variant has not been reported in the literature in individuals affected with RECQL4-related conditions. ClinVar contains an entry for this variant (Variation ID: 239729). Variants that disrupt the consensus splice site are a relatively common cause of aberrant splicing (PMID: 17576681, 9536098). Algorithms developed to predict the effect of sequence changes on RNA splicing suggest that this variant is not likely to affect RNA splicing. In summary, the available evidence is currently insufficient to determine the role of this variant in disease. Therefore, it has been classified as a Variant of Uncertain Significance.

PreventionGenetics, part of Exact Sciences
Classification: Likely benign for RECQL4-related condition. Last evaluated: 2025-04-17. Review status: criteria provided, single submitter. Criteria: ACMG Guidelines, 2015. Collection method: clinical testing. Allele origin: germline.
Comment: This variant is classified as likely benign based on ACMG/AMP sequence variant interpretation guidelines (Richards et al. 2015 PMID: 25741868, with internal and published modifications).

Blueprint Genetics
Classification: Likely benign. Last evaluated: 2024-10-04. Review status: criteria provided, single submitter. Criteria: ACMG Guidelines, 2015. Collection method: clinical testing. Allele origin: germline.

St. Jude Molecular Pathology, St. Jude Children's Research Hospital
Classification: Uncertain significance for Rothmund-Thomson syndrome type 2. Last evaluated: 2023-08-29. Review status: criteria provided, single submitter. Criteria: St. Jude Assertion Criteria 2020. Collection method: clinical testing. Allele origin: germline.
Comment: The RECQL4 c.2463+3T>C intronic change results in a T to C substitution at the +3 position of intron 15 of the RECQL4 gene. This variant is predicted to disrupt the consensus splice site however RNA studies have not been performed. This variant has a maximum subpopulation frequency of 0.11% in gnomAD v2.1.1. To our knowledge, this variant has not been reported in the literature in individuals with RECQL4-associated disorders. In summary, the evidence currently available is insufficient to determine the clinical significance of this variant. It has therefore been classified as of uncertain significance.

Literature cited by the submitters: PubMed 17576681 (cited by Labcorp Genetics (formerly Invitae), Labcorp); PubMed 9536098 (cited by Labcorp Genetics (formerly Invitae), Labcorp).